The following continues an entry in ClinVar:

NM_138425.4(C12orf57):c.1A>G (p.Met1Val)

Gene: C12orf57. ClinVar aggregate classification (germline): Pathogenic/Likely pathogenic. Pathogenic (13); Likely pathogenic (1).

Submissions 12 to 22 of 22:

Baylor Genetics
Classification: Pathogenic for Temtamy syndrome. Last evaluated: 2017-09-01. Review status: criteria provided, single submitter. Criteria: ACMG Guidelines, 2015. Collection method: clinical testing. Allele origin: germline. Inheritance: Autosomal recessive inheritance. Affected: yes.

Mayo Clinic Laboratories, Mayo Clinic
Classification: Pathogenic for Temtamy syndrome. Last evaluated: 2016-09-12. Review status: criteria provided, single submitter. Criteria: ACMG Guidelines, 2015. Collection method: clinical testing. Allele origin: biparental.

Neuberg Centre For Genomic Medicine, NCGM
Classification: Pathogenic for Temtamy syndrome. Review status: criteria provided, single submitter. Criteria: ACMG Guidelines, 2015. Collection method: clinical testing. Allele origin: germline. Affected: yes.
Comment: The initiator codon variant p.M1V in C12orf57 (NM_138425.4) has been observed in several individuals and families affected with a neurodevelopmental disorder characterized by hypoplasia of the corpus callosum, intellectual disability and ocular defects, also known as Temtamy syndrome (Akizu N et al, Salih MA et al). Experimental studies have shown that this initiator codon change reduces C12orf57 protein expression (Akizu N et al). The variant has been reported to ClinVar as Pathogenic. The p.M1V variant is observed in 1/16,238 (0.0062%) alleles from individuals of African background in gnomAD Exomes and is novel (not in any individuals) in 1000 Genomes. The p.M1V variant is a loss of function variant in the gene C12orf57, which is intolerant of Loss of Function variants, as indicated by the presence of existing pathogenic loss of function variant NP_612434.1:p.M1V and 5 others. For these reasons, this variant has been classified as Pathogenic

Molecular Genetics Laboratory, BC Children's and BC Women's Hospitals
Classification: Pathogenic for Temtamy syndrome. Last evaluated: 2025-04-11. Review status: no assertion criteria provided. Criteria: ACMG Guidelines, 2015. Collection method: clinical testing. Allele origin: biparental. Affected: yes. Not counted in ClinVar's aggregate classification.

Clinical Laboratory Sciences Program (CLSP), King Saud bin Abdulaziz University for Health Sciences (KSAU-HS)
Classification: Pathogenic for Temtamy syndrome. Last evaluated: 2023-04-01. Review status: no assertion criteria provided. Collection method: clinical testing. Allele origin: germline. Affected: yes. Not counted in ClinVar's aggregate classification.

Genetics and Genomic Medicine Centre, NeuroGen Healthcare, NeuroGen Healthcare
Classification: Pathogenic. Last evaluated: 2022-03-20. Review status: no assertion criteria provided. Collection method: clinical testing. Allele origin: unknown. Affected: yes. Not counted in ClinVar's aggregate classification.

Biochemical Molecular Genetic Laboratory, King Abdulaziz Medical City
Classification: Pathogenic for Temtamy syndrome. Last evaluated: 2019-09-15. Review status: no assertion criteria provided. Collection method: clinical testing. Allele origin: germline. Affected: yes. Observed: 2 variant alleles. Not counted in ClinVar's aggregate classification.

Genomic Medicine Center of Excellence, King Faisal Specialist Hospital and Research Centre
Classification: Likely pathogenic for Global developmental delay; Epilepsy; Colobomatous microphthalmia; Corpus callosum abnormalities. Last evaluated: 2014-12-01. Review status: no assertion criteria provided. Criteria: research. Collection method: research. Allele origin: germline. Affected: yes. Not counted in ClinVar's aggregate classification.

OMIM
Classification: Pathogenic for TEMTAMY SYNDROME. Last evaluated: 2013-06-01. Review status: no assertion criteria provided. Collection method: literature only. Allele origin: germline. Not counted in ClinVar's aggregate classification.

Clinical Genetics DNA and cytogenetics Diagnostics Lab, Erasmus MC, Erasmus Medical Center
Classification: Pathogenic. Review status: no assertion criteria provided. Collection method: clinical testing. Allele origin: germline. Affected: yes. Study: VKGL Data-share Consensus. Not counted in ClinVar's aggregate classification.

Joint Genome Diagnostic Labs from Nijmegen and Maastricht, Radboudumc and MUMC+
Classification: Pathogenic. Review status: no assertion criteria provided. Collection method: clinical testing. Allele origin: germline. Affected: yes. Study: VKGL Data-share Consensus. Not counted in ClinVar's aggregate classification.

Literature cited by the submitters: PubMed 23633300 (cited by 4 submitters); PubMed 24798461 (cited by 3billion and Labcorp Genetics (formerly Invitae), Labcorp); PubMed 21937992 (cited by 3 submitters); PubMed 23453666 (cited by 4 submitters); PubMed 28097321 (cited by Labcorp Genetics (formerly Invitae), Labcorp); PubMed 28454995 (cited by Labcorp Genetics (formerly Invitae), Labcorp and Women's Health and Genetics/Laboratory Corporation of America, LabCorp); PubMed 28600779 (cited by Labcorp Genetics (formerly Invitae), Labcorp); PubMed 29383837 (cited by Labcorp Genetics (formerly Invitae), Labcorp); PubMed 25326635 (cited by Baylor Genetics); PubMed 25558065 (cited by Genomic Medicine Center of Excellence, King Faisal Specialist Hospital and Research Centre); PubMed 23453665 (cited by OMIM).